The following is an entry in ClinVar:

ClinVar aggregate classification (germline): Conflicting classifications of pathogenicity. Review status: criteria provided, conflicting classifications (1 of 4 stars). 6 submissions from 6 submitters: Uncertain significance (3); Likely benign (3). Last evaluated 2025-12-13.

Conditions:
Cardiovascular phenotype. Identifiers: MedGen CN230736.
Cardiomyopathy (CMYO). Also called: Cardiomyopathies. Identifiers: Orphanet 167848, MedGen C0878544, MONDO:0004994, HP:0001638. Inheritance: Various modes of inheritance.
Hypertrophic cardiomyopathy 14. Identifiers: MedGen C2750467, MONDO:0013197, OMIM 613251.
Atrial septal defect 3 (ASD3). Identifiers: Orphanet 1478, MedGen C3279790, MONDO:0013567, OMIM 614089.
Sick sinus syndrome 3, susceptibility to (SSS3). Identifiers: Orphanet 166282, MedGen C3279791, MONDO:0013568, OMIM 614090.
Dilated cardiomyopathy 1EE (CMD1EE). Identifiers: Orphanet 154, MedGen C2750466, MONDO:0013198, OMIM 613252.

Allele frequency attached by ClinVar (database versions not stated): gnomAD 0.00001; TOPMed 0.00004.
gnomAD v4.1: 63 of 1,614,046 alleles (0.0039%); highest among the groups gnomAD compares: Admixed American, 0.07%; no homozygotes.

Submissions (6):

Labcorp Genetics (formerly Invitae), Labcorp
Classification: Likely benign for Hypertrophic cardiomyopathy 14. Last evaluated: 2025-12-13. Review status: criteria provided, single submitter. Criteria: Invitae Variant Classification Sherloc (09022015). Collection method: clinical testing. Allele origin: germline.

Ambry Genetics
Classification: Uncertain significance for Cardiovascular phenotype. Last evaluated: 2025-01-28. Review status: criteria provided, single submitter. Criteria: Ambry Variant Classification Scheme 2023. Collection method: clinical testing. Allele origin: germline.
Comment: The p.V496M variant (also known as c.1486G>A), located in coding exon 12 of the MYH6 gene, results from a G to A substitution at nucleotide position 1486. The valine at codon 496 is replaced by methionine, an amino acid with highly similar properties. This amino acid position is highly conserved in available vertebrate species. In addition, this alteration is predicted to be deleterious by in silico analysis. Since supporting evidence is limited at this time, the clinical significance of this alteration remains unclear.

Fulgent Genetics
Classification: Uncertain significance for Hypertrophic cardiomyopathy 14; Dilated cardiomyopathy 1EE; Atrial septal defect 3; Sick sinus syndrome 3, susceptibility to. Last evaluated: 2024-04-30. Review status: criteria provided, single submitter. Criteria: ACMG Guidelines, 2015. Collection method: clinical testing. Allele origin: germline.

CeGaT Center for Human Genetics Tuebingen
Classification: Uncertain significance. Last evaluated: 2022-09-01. Review status: criteria provided, single submitter. Criteria: CeGaT Center For Human Genetics Tuebingen Variant Classification Criteria Version 2. Collection method: clinical testing. Allele origin: germline. Affected: yes. Observed: 1 variant allele.
Comment: MYH6: PP3

CHEO Genetics Diagnostic Laboratory, Children's Hospital of Eastern Ontario
Classification: Likely benign for Cardiomyopathy. Last evaluated: 2020-05-28. Review status: criteria provided, single submitter. Criteria: ACMG Guidelines, 2015. Collection method: clinical testing. Allele origin: germline.

Breakthrough Genomics
Classification: Likely benign. Review status: criteria provided, single submitter. Criteria: ACMG Guidelines, 2015. Collection method: not provided. Allele origin: germline. Inheritance: Autosomal dominant inheritance. Affected: yes.

NM_002471.4(MYH6):c.1486G>A (p.Val496Met)

Gene: MYH6 (myosin heavy chain 6; minus strand). Cytogenetic location: 14q11.2.
Variant type: single nucleotide variant.
Coding change: c.1486G>A on transcript NM_002471.4 (MANE Select); coding-DNA position 1486, G replaced by A.
Protein change: p.Val496Met; replaces valine 496 with methionine.
Molecular consequence: missense variant.
Genome position (GRCh38, 1-based): chr14:23,400,351, C>T on the plus strand (G>A on the coding strand, the complement: MYH6 is on the minus strand). VCF-style: chr14-23400351-C-T. GRCh37 (hg19) VCF-style: chr14-23869560-C-T.
Other names: short protein forms V496M.
Identifiers: ClinVar variation 800244 (VCV000800244.42), dbSNP rs761085263, ClinGen allele CA7115796.